The following is an entry in ClinVar:

ClinVar aggregate classification (germline): Benign. Review status: criteria provided, multiple submitters, no conflicts (2 of 4 stars). 5 submissions from 5 submitters: Benign (5). Last evaluated 2026-02-04.

Conditions:
Joubert syndrome 21 (JBTS21). Identifiers: MedGen C3810212, MONDO:0014288, OMIM 615636.

Allele frequency attached by ClinVar (database versions not stated): ExAC 0.07559; ESP Exome Variant Server 0.11321; gnomAD 0.12373 and 0.12797; TOPMed 0.12661; 1000 Genomes Project 0.14517; 1000 Genomes Project 30x 0.15225.
gnomAD v4.1: 84,948 of 1,601,592 alleles (5.3%); highest among the groups gnomAD compares: African/African-American, 31%; 5,492 homozygotes.

Submissions (5):

Labcorp Genetics (formerly Invitae), Labcorp
Classification: Benign for Joubert syndrome 21. Last evaluated: 2026-02-04. Review status: criteria provided, single submitter. Criteria: Invitae Variant Classification Sherloc (09022015). Collection method: clinical testing. Allele origin: germline.

Blueprint Genetics
Classification: Benign. Last evaluated: 2024-11-27. Review status: criteria provided, single submitter. Criteria: ACMG Guidelines, 2015. Collection method: clinical testing. Allele origin: germline.

Mayo Clinic Laboratories, Mayo Clinic
Classification: Benign. Last evaluated: 2022-03-09. Review status: criteria provided, single submitter. Criteria: ACMG Guidelines, 2015. Collection method: clinical testing. Allele origin: germline. Observed: 17 variant alleles.

GeneDx
Classification: Benign. Last evaluated: 2016-03-11. Review status: criteria provided, single submitter. Criteria: GeneDx Variant Classification (06012015). Collection method: clinical testing. Allele origin: germline. Affected: yes.
Comment: This variant is considered likely benign or benign based on one or more of the following criteria: it is a conservative change, it occurs at a poorly conserved position in the protein, it is predicted to be benign by multiple in silico algorithms, and/or has population frequency not consistent with disease.

Breakthrough Genomics
Classification: Benign. Review status: criteria provided, single submitter. Criteria: ACMG Guidelines, 2015. Collection method: not provided. Allele origin: germline. Inheritance: Autosomal recessive inheritance. Affected: yes.

NM_001382391.1(CSPP1):c.2630G>A (p.Arg877His)

Gene: CSPP1 (centrosome and spindle pole associated protein 1; plus strand). Cytogenetic location: 8q13.2.
Variant type: single nucleotide variant.
Coding change: c.2630G>A on transcript NM_001382391.1 (MANE Select); coding-DNA position 2630, G replaced by A.
Protein change: p.Arg877His; replaces arginine 877 with histidine.
Molecular consequence: missense variant.
Genome position (GRCh38, 1-based): chr8:67,161,902, G>A. VCF-style: chr8-67161902-G-A. GRCh37 (hg19) VCF-style: chr8-68074137-G-A.
Other names: p.Arg872His; c.1580G>A, p.Arg527His (NM_001291339.2); c.2549G>A, p.Arg850His (NM_001363131.2); c.2435G>A, p.Arg812His (NM_001363132.2); c.2354G>A, p.Arg785His (NM_001363133.2); c.2696G>A, p.Arg899His (NM_001364869.1); c.2516G>A, p.Arg839His (NM_001364870.1); c.2615G>A, p.Arg872His (NM_024790.7); short protein forms R527H, R850H, R785H, R812H, R839H, R899H, R877H, R872H.
Identifiers: ClinVar variation 379388 (VCV000379388.13), dbSNP rs16933182, ClinGen allele CA4770886.